The following is an entry in ClinVar:

ClinVar aggregate classification (germline): Likely pathogenic (1 of 4 stars; one submission).

Conditions:
Retinitis pigmentosa 25 (RP25). Identifiers: Orphanet 791, MedGen C1864446, MONDO:0011272, OMIM 602772.

Submission:

Natera, Inc.
Classification: Likely pathogenic for Retinitis pigmentosa type 25. Last evaluated: 2025-01-15. Review status: criteria provided, single submitter. Criteria: Natera Variant Classification Schema (03/2026). Collection method: clinical testing. Allele origin: germline.
Comment: The c.3430dup variant in EYS is a frameshift variant predicted to shift the reading frame beginning at codon 1144 and leads to a stop codon 3 codons downstream. This variant is expected to result in nonsense mediated decay, truncation, or a dysfunctional protein product. This variant is rare in the general population with a frequency below the threshold expected for the associated phenotype(s). Given the available evidence, this variant is classified as Likely Pathogenic.

NM_001142800.2(EYS):c.3430dup (p.Thr1144fs)

Gene: EYS (EGF-like photoreceptor maintenance factor; minus strand). Cytogenetic location: 6q12.
Variant type: Duplication.
Coding change: c.3430dup on transcript NM_001142800.2 (MANE Select); coding-DNA position 3430, one base duplicated (A; older notation c.3430dupA).
Protein change: p.Thr1144fs; shifts the reading frame from threonine 1144.
Molecular consequence: frameshift variant.
Genome position (GRCh38, 1-based): chr6:64,813,391, T duplicated on the plus strand (A on the coding strand, the reverse complement: EYS is on the minus strand). VCF-style (leftmost placement, unchanged base first): chr6-64813390-G-GT. GRCh37 (hg19) VCF-style: chr6-65523283-G-GT.
Other names: c.3430dup, p.Thr1144fs (NM_001292009.2); short protein forms T1144fs.
Identifiers: ClinVar variation 4067762 (VCV004067762.2).